The following is an entry in ClinVar:

ClinVar aggregate classification (germline): Pathogenic (1 of 4 stars; one submission).

Conditions:
Bardet-Biedl syndrome (BBS). Identifiers: Orphanet 110, MedGen C0752166, MONDO:0015229.

Submission:

Labcorp Genetics (formerly Invitae), Labcorp
Classification: Pathogenic for Bardet-Biedl syndrome. Last evaluated: 2020-05-31. Review status: criteria provided, single submitter. Criteria: Invitae Variant Classification Sherloc (09022015). Collection method: clinical testing. Allele origin: germline.
Comment: This sequence change results in a premature translational stop signal in the BBS12 gene (p.Ala297Valfs*48). While this is not anticipated to result in nonsense mediated decay, it is expected to disrupt the last 414 amino acids of the BBS12 protein. This variant is not present in population databases (ExAC no frequency). For these reasons, this variant has been classified as Pathogenic. This variant disrupts the C-terminus of the BBS12 protein. Other variant(s) that disrupt this region (p.Arg355*) have been determined to be pathogenic (PMID: 17160889, 23591405). This suggests that variants that disrupt this region of the protein are likely to be causative of disease. Algorithms developed to predict the effect of sequence changes on RNA splicing suggest that this variant may create or strengthen a splice site, but this prediction has not been confirmed by published transcriptional studies. This variant has not been reported in the literature in individuals with BBS12-related conditions.

Literature cited by the submitters: PubMed 17160889; PubMed 23591405.

NM_152618.3(BBS12):c.890_893del (p.Ala297fs)

Gene: BBS12 (Bardet-Biedl syndrome 12; plus strand). Cytogenetic location: 4q27.
Variant type: Deletion.
Coding change: c.890_893del on transcript NM_152618.3 (MANE Select); coding-DNA positions 890 to 893, 4 bases deleted (CTTG; older notation c.890_893delCTTG).
Protein change: p.Ala297fs; shifts the reading frame from alanine 297.
Molecular consequence: frameshift variant.
Genome position (GRCh38, 1-based): chr4:122,742,782-122,742,785, CTTG deleted; deleting any 4 consecutive bases within chr4:122,742,780-122,742,785 gives the same sequence; the c. name uses the placement nearest the transcript's 3' end. VCF-style (leftmost placement, unchanged base first): chr4-122742779-ATGCT-A. GRCh37 (hg19) VCF-style: chr4-123663934-ATGCT-A.
Other names: c.890_893del, p.Ala297fs (NM_001178007.2); short protein forms A297fs.
Identifiers: ClinVar variation 1076399 (VCV001076399.5), dbSNP rs2150736616, ClinGen allele CA2499217071.